The following is an entry in ClinVar:

NM_145698.5(ACBD5):c.431G>A (p.Gly144Asp)

Gene: ACBD5 (acyl-CoA binding domain containing 5; minus strand). Cytogenetic location: 10p12.1.
Variant type: single nucleotide variant.
Coding change: c.431G>A on transcript NM_145698.5 (MANE Select); coding-DNA position 431, G replaced by A.
Protein change: p.Gly144Asp; replaces glycine 144 with aspartic acid.
Molecular consequence: missense variant.
Genome position (GRCh38, 1-based): chr10:27,223,397, C>T on the plus strand (G>A on the coding strand, the complement: ACBD5 is on the minus strand). VCF-style: chr10-27223397-C-T. GRCh37 (hg19) VCF-style: chr10-27512326-C-T.
Other names: c.326G>A, p.Gly109Asp (NM_001042473.4, NM_001352574.2, NM_001352575.2 and 6 more transcripts); c.425G>A, p.Gly142Asp (NM_001271512.3, NM_001352571.1, NM_001352586.1 and 1 more transcripts); c.104G>A, p.Gly35Asp (NM_001301251.2, NM_001301252.2, NM_001301253.2 and 4 more transcripts); c.452G>A, p.Gly151Asp (NM_001352568.1, NM_001352572.1); c.431G>A, p.Gly144Asp (NM_001352569.1, NM_001352570.1, NM_001352573.1 and 2 more transcripts); short protein forms G109D, G151D, G142D, G144D, G35D.
Identifiers: ClinVar variation 848329 (VCV000848329.9), dbSNP rs1481650354, ClinGen allele CA376376735.

ClinVar aggregate classification (germline): Uncertain significance (1 of 4 stars; one submission).

Allele frequency attached by ClinVar (database versions not stated): gnomAD exomes below 0.00001.

Submission:

Labcorp Genetics (formerly Invitae), Labcorp
Classification: Uncertain significance. Last evaluated: 2023-11-13. Review status: criteria provided, single submitter. Criteria: Invitae Variant Classification Sherloc (09022015). Collection method: clinical testing. Allele origin: germline.
Comment: This sequence change replaces glycine, which is neutral and non-polar, with aspartic acid, which is acidic and polar, at codon 144 of the ACBD5 protein (p.Gly144Asp). This variant is present in population databases (no rsID available, gnomAD 0.0009%). This missense change has been observed in individual(s) with clinical features of a retinal dystrophy (PMID: 36699790). ClinVar contains an entry for this variant (Variation ID: 848329). Advanced modeling of protein sequence and biophysical properties (such as structural, functional, and spatial information, amino acid conservation, physicochemical variation, residue mobility, and thermodynamic stability) performed at Invitae indicates that this missense variant is not expected to disrupt ACBD5 protein function with a negative predictive value of 80%. In summary, the available evidence is currently insufficient to determine the role of this variant in disease. Therefore, it has been classified as a Variant of Uncertain Significance.

Literature cited by the submitters: PubMed 36699790.